The following is an entry in ClinVar:

ClinVar aggregate classification (germline): Uncertain significance (1 of 4 stars; one submission).

Allele frequency attached by ClinVar (database versions not stated): gnomAD 0.00001; TOPMed 0.00002.
gnomAD v4.1: 62 of 1,593,742 alleles (0.0039%); highest among the groups gnomAD compares: Non-Finnish European, 0.005%; no homozygotes.

Submission:

Labcorp Genetics (formerly Invitae), Labcorp
Classification: Uncertain significance. Last evaluated: 2022-01-12. Review status: criteria provided, single submitter. Criteria: Invitae Variant Classification Sherloc (09022015). Collection method: clinical testing. Allele origin: germline.
Comment: This sequence change replaces arginine, which is basic and polar, with glutamine, which is neutral and polar, at codon 1216 of the TRPM1 protein (p.Arg1216Gln). This variant is present in population databases (rs764504417, gnomAD 0.004%). This variant has not been reported in the literature in individuals affected with TRPM1-related conditions. ClinVar contains an entry for this variant (Variation ID: 1025069). Algorithms developed to predict the effect of missense changes on protein structure and function are either unavailable or do not agree on the potential impact of this missense change (SIFT: "Deleterious"; PolyPhen-2: "Benign"; Align-GVGD: "Class C35"). In summary, the available evidence is currently insufficient to determine the role of this variant in disease. Therefore, it has been classified as a Variant of Uncertain Significance.

NM_001252024.2(TRPM1):c.3713G>A (p.Arg1238Gln)

Gene: TRPM1 (transient receptor potential cation channel subfamily M member 1; minus strand). Cytogenetic location: 15q13.3.
Variant type: single nucleotide variant.
Coding change: c.3713G>A on transcript NM_001252024.2 (MANE Select); coding-DNA position 3713, G replaced by A.
Protein change: p.Arg1238Gln; replaces arginine 1238 with glutamine.
Molecular consequence: missense variant.
Genome position (GRCh38, 1-based): chr15:31,002,987, C>T on the plus strand (G>A on the coding strand, the complement: TRPM1 is on the minus strand). VCF-style: chr15-31002987-C-T. GRCh37 (hg19) VCF-style: chr15-31295190-C-T.
Other names: c.3764G>A, p.Arg1255Gln (NM_001252020.2); c.3647G>A, p.Arg1216Gln (NM_002420.6); short protein forms R1216Q, R1238Q, R1255Q.
Identifiers: ClinVar variation 1025069 (VCV001025069.6), dbSNP rs764504417, ClinGen allele CA7451788.
Genomic context (GRCh38, chr15:31,002,987, plus strand): 5'-CCCGCAAGATTTTCAAGAGCATTCACCATTCTGTTAGATAATTCTTCTAGCTGAGCAAGT[C>T]GAAGGTCAACAGTCTGCAGGGAAGTTTTCATAAAAGTTTCTCTTTCATTGATTTCTTCCA-3'
Protein context (NP_001238953.1, residues 1228-1248): MKTSLQTVDL[Arg1238Gln]LAQLEELSNR